The following is an entry in ClinVar:

NM_001077350.3(NPRL3):c.630-1G>T

Genes: HBA-LCR (alpha-globin locus control region; plus strand), NPRL3 (NPR3 like, GATOR1 complex subunit; minus strand). Cytogenetic location: 16p13.3.
Variant type: single nucleotide variant.
Coding change: c.630-1G>T on transcript NM_001077350.3 (MANE Select); the canonical splice acceptor site of the intron before coding-DNA position 630, G replaced by T.
Molecular consequence: splice acceptor variant.
Genome position (GRCh38, 1-based): chr16:100,510, C>A on the plus strand (G>T on the coding strand, the complement: NPRL3 is on the minus strand). VCF-style: chr16-100510-C-A. GRCh37 (hg19) VCF-style: chr16-150508-C-A.
Other names: c.396-1G>T (NM_001243247.2); c.555-1G>T (NM_001243248.2, NM_001243249.2); c.93-1G>T (NM_001039476.3).
Identifiers: ClinVar variation 3729823 (VCV003729823.2).

ClinVar aggregate classification (germline): Likely pathogenic (1 of 4 stars; one submission).

Conditions:
Epilepsy, familial focal, with variable foci 3 (FFEVF3). Identifiers: MedGen C4310708, MONDO:0014925, OMIM 617118.

Submission:

Labcorp Genetics (formerly Invitae), Labcorp
Classification: Likely pathogenic for Epilepsy, familial focal, with variable foci 3. Last evaluated: 2025-01-30. Review status: criteria provided, single submitter. Criteria: Invitae Variant Classification Sherloc (09022015). Collection method: clinical testing. Allele origin: germline.
Comment: This sequence change affects an acceptor splice site in intron 7 of the NPRL3 gene. It is expected to disrupt RNA splicing. Variants that disrupt the donor or acceptor splice site typically lead to a loss of protein function (PMID: 16199547), and loss-of-function variants in NPRL3 are known to be pathogenic (PMID: 26285051, 26505888). This variant is not present in population databases (gnomAD no frequency). This variant has not been reported in the literature in individuals affected with NPRL3-related conditions. Algorithms developed to predict the effect of sequence changes on RNA splicing suggest that this variant may disrupt the consensus splice site. In summary, the currently available evidence indicates that the variant is pathogenic, but additional data are needed to prove that conclusively. Therefore, this variant has been classified as Likely Pathogenic.

Literature cited by the submitters: PubMed 16199547; PubMed 26285051; PubMed 26505888.